The following is an entry in ClinVar:

ClinVar aggregate classification (germline): Uncertain significance (1 of 4 stars; one submission).

Conditions:
Left ventricular noncompaction 1 (LVNC1). Also called: LEFT VENTRICULAR NONCOMPACTION 1 WITH OR WITHOUT CONGENITAL HEART DEFECTS. Identifiers: Orphanet 54260, MedGen C1858725, MONDO:0011403, OMIM 604169.

gnomAD v4.1: 2 of 1,614,048 alleles (0.00012%); highest among the groups gnomAD compares: Non-Finnish European, 0.00017%; no homozygotes.

Submission:

Labcorp Genetics (formerly Invitae), Labcorp
Classification: Uncertain significance for Left ventricular noncompaction 1. Last evaluated: 2022-06-27. Review status: criteria provided, single submitter. Criteria: Invitae Variant Classification Sherloc (09022015). Collection method: clinical testing. Allele origin: germline.
Comment: This sequence change replaces serine, which is neutral and polar, with alanine, which is neutral and non-polar, at codon 158 of the DTNA protein (p.Ser158Ala). In summary, the available evidence is currently insufficient to determine the role of this variant in disease. Therefore, it has been classified as a Variant of Uncertain Significance. Algorithms developed to predict the effect of missense changes on protein structure and function (SIFT, PolyPhen-2, Align-GVGD) all suggest that this variant is likely to be tolerated. This variant has not been reported in the literature in individuals affected with DTNA-related conditions. This variant is not present in population databases (gnomAD no frequency).

NM_001386795.1(DTNA):c.472T>G (p.Ser158Ala)

Gene: DTNA (dystrobrevin alpha; plus strand). Cytogenetic location: 18q12.1.
Variant type: single nucleotide variant.
Coding change: c.472T>G on transcript NM_001386795.1 (MANE Select); coding-DNA position 472, T replaced by G.
Protein change: p.Ser158Ala; replaces serine 158 with alanine.
Molecular consequence: missense variant.
Genome position (GRCh38, 1-based): chr18:34,811,982, T>G. VCF-style: chr18-34811982-T-G. GRCh37 (hg19) VCF-style: chr18-32391946-T-G.
Other names: c.472T>G, p.Ser158Ala (NM_001128175.2, NM_001198938.2, NM_001198939.2 and 35 more transcripts); short protein forms S158A.
Identifiers: ClinVar variation 1400059 (VCV001400059.7), dbSNP rs2149331739, ClinGen allele CA402275897.